The following is an entry in ClinVar:

NM_004793.4(LONP1):c.976G>C (p.Asp326His)

Gene: LONP1 (lon peptidase 1, mitochondrial; minus strand). Cytogenetic location: 19p13.3.
Variant type: single nucleotide variant.
Coding change: c.976G>C on transcript NM_004793.4 (MANE Select); coding-DNA position 976, G replaced by C.
Protein change: p.Asp326His; replaces aspartic acid 326 with histidine.
Molecular consequence: missense variant. On other transcripts: non-coding transcript variant (1).
Genome position (GRCh38, 1-based): chr19:5,707,783, C>G on the plus strand (G>C on the coding strand, the complement: LONP1 is on the minus strand). VCF-style: chr19-5707783-C-G. GRCh37 (hg19) VCF-style: chr19-5707794-C-G.
Other names: c.784G>C, p.Asp262His (NM_001276479.2); c.388G>C, p.Asp130His (NM_001276480.1); short protein forms D326H, D130H, D262H.
Identifiers: ClinVar variation 1360431 (VCV001360431.8), dbSNP rs2055171714, ClinGen allele CA403536188.
Genomic context (GRCh38, chr19:5,707,783, plus strand): 5'-GCTCATGGGACTCGGCCCCGGTGAGCGCGGCGCCCATGTCGCTCAGGTAGATGGGGTTGT[C>G]CACCACCCGCTGGCCAGCCTGCATCATCTGCAGCACTGACTCCCTGGGGGACAAAGGGAG-3'
Protein context (NP_004784.2, residues 316-336): QMMQAGQRVV[Asp326His]NPIYLSDMGA

ClinVar aggregate classification (germline): Uncertain significance (1 of 4 stars; one submission).

Allele frequency attached by ClinVar (database versions not stated): gnomAD 0.00001; gnomAD exomes 0.00001; TOPMed 0.00002.
gnomAD v4.1: 22 of 1,613,112 alleles (0.0014%); highest among the groups gnomAD compares: African/African-American, 0.004%; no homozygotes.

Submission:

Labcorp Genetics (formerly Invitae), Labcorp
Classification: Uncertain significance. Last evaluated: 2022-06-29. Review status: criteria provided, single submitter. Criteria: Invitae Variant Classification Sherloc (09022015). Collection method: clinical testing. Allele origin: germline.
Comment: In summary, the available evidence is currently insufficient to determine the role of this variant in disease. Therefore, it has been classified as a Variant of Uncertain Significance. Algorithms developed to predict the effect of missense changes on protein structure and function are either unavailable or do not agree on the potential impact of this missense change (SIFT: "Deleterious"; PolyPhen-2: "Possibly Damaging"; Align-GVGD: "Class C0"). This variant has not been reported in the literature in individuals affected with LONP1-related conditions. This variant is not present in population databases (gnomAD no frequency). This sequence change replaces aspartic acid, which is acidic and polar, with histidine, which is basic and polar, at codon 326 of the LONP1 protein (p.Asp326His).